The following is an entry in ClinVar:

NM_033641.4(COL4A6):c.4404G>A (p.Thr1468=)

Gene: COL4A6 (collagen type IV alpha 6 chain; minus strand). Cytogenetic location: Xq22.3.
Variant type: single nucleotide variant.
Coding change: c.4404G>A on transcript NM_033641.4 (MANE Select); coding-DNA position 4404, G replaced by A.
Protein change: p.Thr1468=; no amino-acid change (threonine 1468 retained).
Molecular consequence: synonymous variant.
Genome position (GRCh38, 1-based): chrX:108,160,584, C>T on the plus strand (G>A on the coding strand, the complement: COL4A6 is on the minus strand). VCF-style: chrX-108160584-C-T. GRCh37 (hg19) VCF-style: chrX-107403814-C-T.
Other names: c.4455G>A, p.Thr1485= (NM_001287758.2); c.4332G>A, p.Thr1444= (NM_001287759.2); c.4233G>A, p.Thr1411= (NM_001287760.2); c.4407G>A, p.Thr1469= (NM_001847.4); c.4407G>A (NM_001847.3).
Identifiers: ClinVar variation 1265907 (VCV001265907.12), dbSNP rs147362613, ClinGen allele CA10487194.

ClinVar aggregate classification (germline): Benign/Likely benign. Review status: criteria provided, multiple submitters, no conflicts (2 of 4 stars). 4 submissions from 4 submitters: Benign (3); Likely benign (1). Last evaluated 2026-08-31.

Conditions:
COL4A6-related disorder. Also called: COL4A6-related condition.
Hearing loss, X-linked 6. Also called: Deafness, X-linked 6. Identifiers: Orphanet 90625, MedGen C3806737, MONDO:0010484, OMIM 300914.

Allele frequency attached by ClinVar (database versions not stated): ExAC 0.00018; gnomAD 0.00025 and 0.00032; TOPMed 0.00032; ESP Exome Variant Server 0.00057.
gnomAD v4.1: 77 of 1,210,169 alleles (0.0064%); highest among the groups gnomAD compares: African/African-American, 0.08%; no homozygotes.

Submissions (4):

PreventionGenetics, part of Exact Sciences
Classification: Likely benign for COL4A6-related condition. Last evaluated: 2026-08-31. Review status: criteria provided, single submitter. Criteria: ACMG Guidelines, 2015. Collection method: clinical testing. Allele origin: germline.
Comment: This variant is classified as likely benign based on ACMG/AMP sequence variant interpretation guidelines (Richards et al. 2015 PMID: 25741868, with internal and published modifications).

Labcorp Genetics (formerly Invitae), Labcorp
Classification: Benign. Last evaluated: 2025-10-12. Review status: criteria provided, single submitter. Criteria: Invitae Variant Classification Sherloc (09022015). Collection method: clinical testing. Allele origin: germline.

Genome-Nilou Lab
Classification: Benign for Hearing loss, X-linked 6. Last evaluated: 2022-03-15. Review status: criteria provided, single submitter. Criteria: ACMG Guidelines, 2015. Collection method: clinical testing. Allele origin: germline. Affected: no.

GeneDx
Classification: Benign. Last evaluated: 2019-10-25. Review status: criteria provided, single submitter. Criteria: GeneDx Variant Classification Process June 2021. Collection method: clinical testing. Allele origin: germline. Affected: yes.